The following is an entry in ClinVar:

ClinVar aggregate classification (germline): Likely pathogenic (1 of 4 stars; one submission).

Conditions:
Inborn genetic diseases. Identifiers: MedGen C0950123, MeSH D030342.

Submission:

Ambry Genetics
Classification: Likely pathogenic for Inborn genetic diseases. Last evaluated: 2024-08-01. Review status: criteria provided, single submitter. Criteria: Ambry Variant Classification Scheme 2023. Collection method: clinical testing. Allele origin: germline.
Comment: The c.41G>A (p.G14D) alteration is located in exon 1 (coding exon 1) of the TUBG1 gene. This alteration results from a G to A substitution at nucleotide position 41, causing the glycine (G) at amino acid position 14 to be replaced by an aspartic acid (D). This variant was not reported in population-based cohorts in the Genome Aggregation Database (gnomAD). This amino acid position is highly conserved in available vertebrate species. This missense alteration is located in a region that has a low rate of benign missense variation (Lek, 2016; Firth, 2009). This alteration is predicted to be deleterious by in silico analysis. Based on the available evidence, this alteration is classified as likely pathogenic.

NM_001070.5(TUBG1):c.41G>A (p.Gly14Asp)

Gene: TUBG1 (tubulin gamma 1; plus strand). Cytogenetic location: 17q21.2.
Variant type: single nucleotide variant.
Coding change: c.41G>A on transcript NM_001070.5 (MANE Select); coding-DNA position 41, G replaced by A.
Protein change: p.Gly14Asp; replaces glycine 14 with aspartic acid.
Molecular consequence: missense variant.
Genome position (GRCh38, 1-based): chr17:42,609,778, G>A. VCF-style: chr17-42609778-G-A. GRCh37 (hg19) VCF-style: chr17-40761796-G-A.
Other names: short protein forms G14D.
Identifiers: ClinVar variation 3330224 (VCV003330224.2).